The following is an entry in ClinVar:

NM_032444.4(SLX4):c.3122A>T (p.Gln1041Leu)

Gene: SLX4 (SLX4 structure-specific endonuclease subunit; minus strand). Cytogenetic location: 16p13.3.
Variant type: single nucleotide variant.
Coding change: c.3122A>T on transcript NM_032444.4 (MANE Select); coding-DNA position 3122, A replaced by T.
Protein change: p.Gln1041Leu; replaces glutamine 1041 with leucine.
Molecular consequence: missense variant.
Genome position (GRCh38, 1-based): chr16:3,590,516, T>A on the plus strand (A>T on the coding strand, the complement: SLX4 is on the minus strand). VCF-style: chr16-3590516-T-A. GRCh37 (hg19) VCF-style: chr16-3640517-T-A.
Other names: c.3122A>T (LRG_503t1); short protein forms Q1041L.
Identifiers: ClinVar variation 643587 (VCV000643587.8), dbSNP rs1384033342, ClinGen allele CA394521915.

ClinVar aggregate classification (germline): Uncertain significance (1 of 4 stars; one submission).

Conditions:
Fanconi anemia (FA). Also called: Fanconi's anemia. Identifiers: Orphanet 84, MedGen C0015625, MeSH D005199, MONDO:0019391.

Allele frequency attached by ClinVar (database versions not stated): gnomAD 0.00001; gnomAD exomes 0.00001; TOPMed 0.00001.
gnomAD v4.1: 18 of 1,613,278 alleles (0.0011%); highest among the groups gnomAD compares: African/African-American, 0.0013%; no homozygotes.

Submission:

Labcorp Genetics (formerly Invitae), Labcorp
Classification: Uncertain significance for Fanconi anemia. Last evaluated: 2024-10-20. Review status: criteria provided, single submitter. Criteria: Invitae Variant Classification Sherloc (09022015). Collection method: clinical testing. Allele origin: germline.
Comment: This sequence change replaces glutamine, which is neutral and polar, with leucine, which is neutral and non-polar, at codon 1041 of the SLX4 protein (p.Gln1041Leu). This variant is present in population databases (no rsID available, gnomAD 0.002%). This variant has not been reported in the literature in individuals affected with SLX4-related conditions. ClinVar contains an entry for this variant (Variation ID: 643587). An algorithm developed to predict the effect of missense changes on protein structure and function (PolyPhen-2) suggests that this variant is likely to be tolerated. In summary, the available evidence is currently insufficient to determine the role of this variant in disease. Therefore, it has been classified as a Variant of Uncertain Significance.